The following is an entry in ClinVar:

NM_000493.4(COL10A1):c.47T>A (p.Val16Asp)

Genes: COL10A1 (collagen type X alpha 1 chain; minus strand), NT5DC1 (5'-nucleotidase domain containing 1; plus strand). Cytogenetic location: 6q22.1.
Variant type: single nucleotide variant.
Coding change: c.47T>A on transcript NM_000493.4 (MANE Select); coding-DNA position 47, T replaced by A.
Protein change: p.Val16Asp; replaces valine 16 with aspartic acid.
Molecular consequence: missense variant. On other transcripts: intron variant (1).
Genome position (GRCh38, 1-based): chr6:116,125,446, A>T on the plus strand (T>A on the coding strand, the complement: COL10A1 is on the minus strand). VCF-style: chr6-116125446-A-T. GRCh37 (hg19) VCF-style: chr6-116446609-A-T.
Other names: c.47T>A, p.Val16Asp (NM_001424106.1, NM_001424107.1); c.529+7501A>T (NM_152729.3); short protein forms V16D.
Identifiers: ClinVar variation 4717094 (VCV004717094.1).

ClinVar aggregate classification (germline): Uncertain significance (1 of 4 stars; one submission).

Submission:

Labcorp Genetics (formerly Invitae), Labcorp
Classification: Uncertain significance. Last evaluated: 2025-02-23. Review status: criteria provided, single submitter. Criteria: Invitae Variant Classification Sherloc (09022015). Collection method: clinical testing. Allele origin: germline.
Comment: This sequence change replaces valine, which is neutral and non-polar, with aspartic acid, which is acidic and polar, at codon 16 of the COL10A1 protein (p.Val16Asp). This variant is not present in population databases (gnomAD no frequency). This missense change has been observed in individual(s) with clinical features of autosomal dominant COL10A1-related conditions (internal data). Invitae Evidence Modeling of protein sequence and biophysical properties (such as structural, functional, and spatial information, amino acid conservation, physicochemical variation, residue mobility, and thermodynamic stability) has been performed for this missense variant. However, the output from this modeling did not meet the statistical confidence thresholds required to predict the impact of this variant on COL10A1 protein function. This variant disrupts the p.Val16 amino acid residue in COL10A1. Other variant(s) that disrupt this residue have been observed in individuals with COL10A1-related conditions (internal data), which suggests that this may be a clinically significant amino acid residue. In summary, the available evidence is currently insufficient to determine the role of this variant in disease. Therefore, it has been classified as a Variant of Uncertain Significance.